The following is an entry in ClinVar:

NM_005257.6(GATA6):c.1678dup (p.Leu560fs)

Gene: GATA6 (GATA binding protein 6; plus strand). Cytogenetic location: 18q11.2.
Variant type: Duplication.
Coding change: c.1678dup on transcript NM_005257.6 (MANE Select); coding-DNA position 1678, one base duplicated (C; older notation c.1678dupC).
Protein change: p.Leu560fs; shifts the reading frame from leucine 560.
Molecular consequence: frameshift variant.
Genome position (GRCh38, 1-based): chr18:22,200,713, C duplicated. VCF-style (leftmost placement, unchanged base first): chr18-22200712-G-GC. GRCh37 (hg19) VCF-style: chr18-19780675-G-GC.
Other names: short protein forms L560fs.
Identifiers: ClinVar variation 4278501 (VCV004278501.1).

ClinVar aggregate classification (germline): Uncertain significance (1 of 4 stars; one submission).

Submission:

GeneDx
Classification: Uncertain significance. Last evaluated: 2025-04-02. Review status: criteria provided, single submitter. Criteria: GeneDx Variant Classification Process June 2021. Collection method: clinical testing. Allele origin: germline. Affected: yes.
Comment: Not observed at significant frequency in large population cohorts (gnomAD); Frameshift variant predicted to result in abnormal protein length as the last 36 amino acid(s) are replaced with 72 different amino acid(s); Has not been previously published as pathogenic or benign to our knowledge